The following is an entry in ClinVar:

ClinVar aggregate classification (germline): Uncertain significance (1 of 4 stars; one submission).

gnomAD v4.1: 4 of 1,594,414 alleles (0.00025%); highest among the groups gnomAD compares: Non-Finnish European, 0.00034%; no homozygotes.

Submission:

Labcorp Genetics (formerly Invitae), Labcorp
Classification: Uncertain significance. Last evaluated: 2023-03-04. Review status: criteria provided, single submitter. Criteria: Invitae Variant Classification Sherloc (09022015). Collection method: clinical testing. Allele origin: germline.
Comment: Algorithms developed to predict the effect of missense changes on protein structure and function output the following: SIFT: "Not Available"; PolyPhen-2: "Benign"; Align-GVGD: "Not Available". The methionine amino acid residue is found in multiple mammalian species, which suggests that this missense change does not adversely affect protein function. In summary, the available evidence is currently insufficient to determine the role of this variant in disease. Therefore, it has been classified as a Variant of Uncertain Significance. This variant has not been reported in the literature in individuals affected with KIDINS220-related conditions. This variant is not present in population databases (gnomAD no frequency). This sequence change replaces isoleucine, which is neutral and non-polar, with methionine, which is neutral and non-polar, at codon 1072 of the KIDINS220 protein (p.Ile1072Met).

NM_020738.4(KIDINS220):c.3216C>G (p.Ile1072Met)

Gene: KIDINS220 (kinase D interacting substrate 220; minus strand). Cytogenetic location: 2p25.1.
Variant type: single nucleotide variant.
Coding change: c.3216C>G on transcript NM_020738.4 (MANE Select); coding-DNA position 3216, C replaced by G.
Protein change: p.Ile1072Met; replaces isoleucine 1072 with methionine.
Molecular consequence: missense variant. On other transcripts: non-coding transcript variant (2).
Genome position (GRCh38, 1-based): chr2:8,750,310, G>C on the plus strand (C>G on the coding strand, the complement: KIDINS220 is on the minus strand). VCF-style: chr2-8750310-G-C. GRCh37 (hg19) VCF-style: chr2-8890440-G-C.
Other names: c.3219C>G, p.Ile1073Met (NM_001348729.2, NM_001348731.2, NM_001348734.2 and 2 more transcripts); c.3216C>G, p.Ile1072Met (NM_001348732.2, NM_001348735.2, NM_001348738.2 and 3 more transcripts); c.3090C>G, p.Ile1030Met (NM_001348736.2); short protein forms I1072M, I1073M, I1030M.
Identifiers: ClinVar variation 2800280 (VCV002800280.3), dbSNP rs376785899, ClinGen allele CA345771876.